The following is an entry in ClinVar:

NM_001165963.4(SCN1A):c.49T>A (p.Phe17Ile)

Gene: SCN1A (sodium voltage-gated channel alpha subunit 1; minus strand). Cytogenetic location: 2q24.3.
Variant type: single nucleotide variant.
Coding change: c.49T>A on transcript NM_001165963.4 (MANE Select); coding-DNA position 49, T replaced by A.
Protein change: p.Phe17Ile; replaces phenylalanine 17 with isoleucine.
Molecular consequence: missense variant. On other transcripts: 5 prime UTR variant (1), non-coding transcript variant (1).
Genome position (GRCh38, 1-based): chr2:166,073,573, A>T on the plus strand (T>A on the coding strand, the complement: SCN1A is on the minus strand). VCF-style: chr2-166073573-A-T. GRCh37 (hg19) VCF-style: chr2-166930083-A-T.
Other names: c.49T>A, p.Phe17Ile (NM_001165964.3, NM_001202435.3, NM_001353948.2 and 10 more transcripts); c.-2377T>A (NM_001353961.2); short protein forms F17I.
Identifiers: ClinVar variation 3634073 (VCV003634073.2).

ClinVar aggregate classification (germline): Uncertain significance (1 of 4 stars; one submission).

Conditions:
Early-infantile DEE. Also called: Early infantile epileptic encephalopathy; Ohtahara syndrome; Early infantile epileptic encephalopathy with suppression bursts. Identifiers: Orphanet 1934, MedGen C0393706, MONDO:0800491.

Submission:

Labcorp Genetics (formerly Invitae), Labcorp
Classification: Uncertain significance for Early-infantile DEE. Last evaluated: 2024-09-29. Review status: criteria provided, single submitter. Criteria: Invitae Variant Classification Sherloc (09022015). Collection method: clinical testing. Allele origin: germline.
Comment: This sequence change replaces phenylalanine, which is neutral and non-polar, with isoleucine, which is neutral and non-polar, at codon 17 of the SCN1A protein (p.Phe17Ile). This variant is not present in population databases (gnomAD no frequency). This variant has not been reported in the literature in individuals affected with SCN1A-related conditions. Invitae Evidence Modeling of protein sequence and biophysical properties (such as structural, functional, and spatial information, amino acid conservation, physicochemical variation, residue mobility, and thermodynamic stability) indicates that this missense variant is expected to disrupt SCN1A protein function with a positive predictive value of 95%. In summary, the available evidence is currently insufficient to determine the role of this variant in disease. Therefore, it has been classified as a Variant of Uncertain Significance.